The following is an entry in ClinVar:

ClinVar aggregate classification (germline): Uncertain significance. Review status: criteria provided, single submitter (1 of 4 stars). 2 submissions from 2 submitters: Uncertain significance (1). 1 of the submissions does not count toward it. Last evaluated 2024-07-17.

Conditions:
Polyglandular autoimmune syndrome, type 1 (APS1). Also called: Autoimmune polyendocrinopathy syndrome, type I; HYPOADRENOCORTICISM WITH HYPOPARATHYROIDISM AND SUPERFICIAL MONILIASIS; PGA I; Autoimmune polyendocrine syndrome type 1; Autoimmune polyendocrinopathy syndrome , type I, with or without reversible metaphyseal dysplasia; AUTOIMMUNE POLYENDOCRINE SYNDROME, TYPE I, WITH OR WITHOUT REVERSIBLE METAPHYSEAL DYSPLASIA. Identifiers: Orphanet 3453, MedGen C0085859, MONDO:0009411, OMIM 240300.

gnomAD v4.1: 2 of 1,577,554 alleles (0.00013%); highest among the groups gnomAD compares: South Asian, 0.0011%; no homozygotes.

Submissions (2):

Labcorp Genetics (formerly Invitae), Labcorp
Classification: Uncertain significance for Polyglandular autoimmune syndrome, type 1. Last evaluated: 2024-07-17. Review status: criteria provided, single submitter. Criteria: Invitae Variant Classification Sherloc (09022015). Collection method: clinical testing. Allele origin: germline.
Comment: This sequence change replaces valine, which is neutral and non-polar, with leucine, which is neutral and non-polar, at codon 479 of the AIRE protein (p.Val479Leu). This variant is not present in population databases (gnomAD no frequency). This variant has not been reported in the literature in individuals affected with AIRE-related conditions. Advanced modeling of protein sequence and biophysical properties (such as structural, functional, and spatial information, amino acid conservation, physicochemical variation, residue mobility, and thermodynamic stability) performed at Invitae indicates that this missense variant is not expected to disrupt AIRE protein function with a negative predictive value of 95%. In summary, the available evidence is currently insufficient to determine the role of this variant in disease. Therefore, it has been classified as a Variant of Uncertain Significance.

Natera, Inc.
Classification: Uncertain significance for Polyglandular autoimmune syndrome type 1. Last evaluated: 2025-02-24. Review status: no assertion criteria provided. Collection method: clinical testing. Allele origin: germline. Not counted in ClinVar's aggregate classification.

NM_000383.4(AIRE):c.1435G>C (p.Val479Leu)

Gene: AIRE (autoimmune regulator; plus strand). Cytogenetic location: 21q22.3.
Variant type: single nucleotide variant.
Coding change: c.1435G>C on transcript NM_000383.4 (MANE Select); coding-DNA position 1435, G replaced by C.
Protein change: p.Val479Leu; replaces valine 479 with leucine.
Molecular consequence: missense variant.
Genome position (GRCh38, 1-based): chr21:44,294,435, G>C. VCF-style: chr21-44294435-G-C. GRCh37 (hg19) VCF-style: chr21-45714318-G-C.
Other names: c.1435G>C (NM_000383.3); short protein forms V479L.
Identifiers: ClinVar variation 3674483 (VCV003674483.3).
Genomic context (GRCh38, chr21:44,294,435, plus strand): 5'-TGGCAGCCCCTCATCCTCTGCTGCAGGACGGGCCTGCGCTGCAGATCCTGCTCAGGAGAC[G>C]TGACCCCAGCCCCTGTGGAGGGGGTGCTGGCCCCCAGCCCCGCCCGCCTGGCCCCTGGGC-3'
Protein context (NP_000374.1, residues 469-489): GLRCRSCSGD[Val479Leu]TPAPVEGVLA